The following is an entry in ClinVar:

NM_022765.4(MICAL1):c.2882G>T (p.Ser961Ile)

Gene: MICAL1 (microtubule associated monooxygenase, calponin and LIM domain containing 1; minus strand). Cytogenetic location: 6q21.
Variant type: single nucleotide variant.
Coding change: c.2882G>T on transcript NM_022765.4 (MANE Select); coding-DNA position 2882, G replaced by T.
Protein change: p.Ser961Ile; replaces serine 961 with isoleucine.
Molecular consequence: missense variant.
Genome position (GRCh38, 1-based): chr6:109,444,995, C>A on the plus strand (G>T on the coding strand, the complement: MICAL1 is on the minus strand). VCF-style: chr6-109444995-C-A. GRCh37 (hg19) VCF-style: chr6-109766198-C-A.
Other names: c.2624G>T, p.Ser875Ile (NM_001159291.2); c.2939G>T, p.Ser980Ile (NM_001286613.2); short protein forms S961I, S875I, S980I.
Identifiers: ClinVar variation 2894500 (VCV002894500.3), dbSNP rs760096538, ClinGen allele CA365221344.
Genomic context (GRCh38, chr6:109,444,995, plus strand): 5'-TTCTTGTCAACGAGCTGTAGCAGCTGTCCTACCCATAGTTTCTTTTGCTGTTCTGGGGAA[C>A]CTGAGAAGAAGGAAGATGGGTAGGGTGATCAGGAGGCTTCCAGCCAGCACCACAGGAGTT-3'
Protein context (NP_073602.3, residues 951-971): KLELALRRQS[Ser961Ile]SPEQQKKLWV

ClinVar aggregate classification (germline): Uncertain significance (1 of 4 stars; one submission).

Allele frequency attached by ClinVar (database versions not stated): TOPMed below 0.00001; gnomAD 0.00001.
gnomAD v4.1: 1 of 1,613,492 alleles (0.000062%); highest among the groups gnomAD compares: Non-Finnish European, 0.000085%; no homozygotes.

Submission:

Labcorp Genetics (formerly Invitae), Labcorp
Classification: Uncertain significance. Last evaluated: 2023-12-19. Review status: criteria provided, single submitter. Criteria: Invitae Variant Classification Sherloc (09022015). Collection method: clinical testing. Allele origin: germline.
Comment: This sequence change replaces serine, which is neutral and polar, with isoleucine, which is neutral and non-polar, at codon 980 of the MICAL1 protein (p.Ser980Ile). This variant is present in population databases (no rsID available, gnomAD 0.0009%). This variant has not been reported in the literature in individuals affected with MICAL1-related conditions. An algorithm developed to predict the effect of missense changes on protein structure and function (PolyPhen-2) suggests that this variant is likely to be tolerated. In summary, the available evidence is currently insufficient to determine the role of this variant in disease. Therefore, it has been classified as a Variant of Uncertain Significance.